The following is an entry in ClinVar:

ClinVar aggregate classification (germline): Benign/Likely benign. Review status: criteria provided, multiple submitters, no conflicts (2 of 4 stars). 8 submissions from 8 submitters: Benign (3); Likely benign (2). 3 of the submissions do not count toward it. Last evaluated 2026-02-04.

Conditions:
Inborn genetic diseases. Identifiers: MedGen C0950123, MeSH D030342.
Mucopolysaccharidosis, MPS-II (MPS2). Also called: Mucopolysaccharidosis with skin involvement; Severe MPS II; I2S deficiency; MPS 2; Hunter Syndrome; IDURONATE 2-SULFATASE DEFICIENCY. Identifiers: Orphanet 580, Orphanet 79388, MedGen C0026705, MONDO:0010674, OMIM 309900.

Allele frequency attached by ClinVar (database versions not stated): ExAC 0.00111; gnomAD exomes 0.00178; gnomAD 0.00736; 1000 Genomes Project 0.00901; 1000 Genomes Project 30x 0.01457.

Submissions (8):

Labcorp Genetics (formerly Invitae), Labcorp
Classification: Benign for Mucopolysaccharidosis, MPS-II. Last evaluated: 2026-02-04. Review status: criteria provided, single submitter. Criteria: Invitae Variant Classification Sherloc (09022015). Collection method: clinical testing. Allele origin: germline.

Mayo Clinic Laboratories, Mayo Clinic
Classification: Likely benign. Last evaluated: 2025-02-14. Review status: criteria provided, single submitter. Criteria: ACMG Guidelines, 2015. Collection method: clinical testing. Allele origin: germline. Observed: 6 variant alleles.
Comment: BA1, BP4, BP7

Genome-Nilou Lab
Classification: Benign for Mucopolysaccharidosis, MPS-II. Last evaluated: 2021-08-10. Review status: criteria provided, single submitter. Criteria: ACMG Guidelines, 2015. Collection method: clinical testing. Allele origin: germline. Affected: no.

GeneDx
Classification: Likely benign. Last evaluated: 2021-02-07. Review status: criteria provided, single submitter. Criteria: GeneDx Variant Classification Process June 2021. Collection method: clinical testing. Allele origin: germline. Affected: yes.

Ambry Genetics
Classification: Benign for Inborn genetic diseases. Last evaluated: 2017-12-07. Review status: criteria provided, single submitter. Criteria: Ambry Variant Classification Scheme 2023. Collection method: clinical testing. Allele origin: germline.

Clinical Genetics DNA and cytogenetics Diagnostics Lab, Erasmus MC, Erasmus Medical Center
Classification: Benign. Review status: no assertion criteria provided. Collection method: clinical testing. Allele origin: germline. Affected: yes. Study: VKGL Data-share Consensus. Not counted in ClinVar's aggregate classification.

Clinical Genetics, Academic Medical Center
Classification: Benign. Review status: no assertion criteria provided. Collection method: clinical testing. Allele origin: germline. Affected: yes. Study: VKGL Data-share Consensus. Not counted in ClinVar's aggregate classification.

Laboratory of Diagnosis and Therapy of Lysosomal Disorders, University of Padova
Classification: Likely pathogenic for Mucopolysaccharidosis, MPS-II. Last evaluated: 2024-06-07. Review status: flagged submission. Criteria: ACMG Guidelines, 2015. Collection method: literature only. Allele origin: germline. Affected: yes. Observed: 1 variant allele. Not counted in ClinVar's aggregate classification.
Comment: Absent from controls (or at low frequency) in gnomAD database (PM2_Moderate), Patient’s phenotype or family history highly specific for the disease (PP4_Strong)

Classification method: ACMG Guidelines [PMID:25741868] with modifications
ClinVar note: Reason: Outlier claim with insufficient supporting evidence

Literature cited by the submitters: PubMed 27351199 (cited by Laboratory of Diagnosis and Therapy of Lysosomal Disorders, University of Padova).

NM_000202.8(IDS):c.418+12T>C

Gene: IDS (iduronate 2-sulfatase; minus strand). Cytogenetic location: Xq28.
Variant type: single nucleotide variant.
Coding change: c.418+12T>C on transcript NM_000202.8 (MANE Select); 12 bases into the intron after coding-DNA position 418, T replaced by C.
Molecular consequence: intron variant.
Genome position (GRCh38, 1-based): chrX:149,503,300, A>G on the plus strand (T>C on the coding strand, the complement: IDS is on the minus strand). VCF-style: chrX-149503300-A-G. GRCh37 (hg19) VCF-style: chrX-148584830-A-G.
Other names: p.?; c.418+12T>C (NM_000202.5, NM_006123.5); c.148+12T>C (NM_001166550.4).
Identifiers: ClinVar variation 1164460 (VCV001164460.19), dbSNP rs470986, ClinGen allele CA10537700.
Genomic context (GRCh38, chrX:149,503,300, plus strand): 5'-TCCCCAGGATGGGAATGCTGGATTCAGACACCACAAACCAAGAGAACCCAGACTCTGGAC[A>G]TGGAGCAGTACCAGGGTGAAAGACTTTTCCCACCGACATGGTCACATAGCCATTCTCCTT-3'